The following is an entry in ClinVar:

ClinVar aggregate classification (germline): Uncertain significance. Review status: criteria provided, multiple submitters, no conflicts (2 of 4 stars). 7 submissions from 7 submitters: Uncertain significance (6). 1 of the submissions does not count toward it. Last evaluated 2025-07-19.

Conditions:
Hereditary cancer-predisposing syndrome. Also called: Neoplastic Syndromes, Hereditary; Tumor predisposition; Hereditary Cancer Syndrome; Hereditary neoplastic syndrome. Identifiers: Orphanet 140162, MedGen C0027672, MeSH D009386, MONDO:0015356.
Breast-ovarian cancer, familial, susceptibility to, 4. Identifiers: Orphanet 145, MedGen C3280345, MONDO:0013669, OMIM 614291.

Allele frequency attached by ClinVar (database versions not stated): gnomAD exomes below 0.00001 and 0.00001; ExAC 0.00001.
gnomAD v4.1: 5 of 1,558,568 alleles (0.00032%); highest among the groups gnomAD compares: Non-Finnish European, 0.00044%; no homozygotes.

Submissions (7):

Ambry Genetics
Classification: Uncertain significance for Hereditary cancer-predisposing syndrome. Last evaluated: 2025-07-19. Review status: criteria provided, single submitter. Criteria: Ambry Variant Classification Scheme 2023. Collection method: clinical testing. Allele origin: germline.
Comment: The p.G96C variant (also known as c.286G>T), located in coding exon 4 of the RAD51D gene, results from a G to T substitution at nucleotide position 286. The glycine at codon 96 is replaced by cysteine, an amino acid with highly dissimilar properties. In one study, this alteration was detected in 1/741 familial breast cancer patients, but was absent from 303 breast/ovarian cancer kindreds, 16 ovarian cancer only kindreds, and a series of 245 unselected ovarian cancer patients (Thompson ER et al. PLoS ONE 2013; 8:e54772). In another study, this variant was detected in 1/660 women with familial breast cancer who were negative for mutations in the BRCA1 and BRCA2 genes (Li J et al. J. Med. Genet., 2016 Jan;53:34-42). Functional studies demonstrated this alteration led to impaired its interaction with XRCC2 and RAD51C and partially impaired HR-proficiency (Baldock RA et al. DNA Repair (Amst), 2019 04;76:99-107). This amino acid position is highly conserved in available vertebrate species. In addition, this alteration is predicted to be deleterious by in silico analysis. Since supporting evidence is limited at this time, the clinical significance of this alteration remains unclear.

Labcorp Genetics (formerly Invitae), Labcorp
Classification: Uncertain significance for Breast-ovarian cancer, familial, susceptibility to, 4. Last evaluated: 2025-07-14. Review status: criteria provided, single submitter. Criteria: Invitae Variant Classification Sherloc (09022015). Collection method: clinical testing. Allele origin: germline.
Comment: This sequence change replaces glycine, which is neutral and non-polar, with cysteine, which is neutral and slightly polar, at codon 96 of the RAD51D protein (p.Gly96Cys). This variant is present in population databases (rs762951311, gnomAD 0.002%). This missense change has been observed in individual(s) with breast and/or ovarian cancer (PMID: 23372765, 26534844). ClinVar contains an entry for this variant (Variation ID: 231684). Invitae Evidence Modeling of protein sequence and biophysical properties (such as structural, functional, and spatial information, amino acid conservation, physicochemical variation, residue mobility, and thermodynamic stability) indicates that this missense variant is expected to disrupt RAD51D protein function with a positive predictive value of 80%. Experimental studies have shown that this missense change affects RAD51D function (PMID: 30836272). In summary, the available evidence is currently insufficient to determine the role of this variant in disease. Therefore, it has been classified as a Variant of Uncertain Significance.

Color Diagnostics, LLC DBA Color Health
Classification: Uncertain significance for Hereditary cancer-predisposing syndrome. Last evaluated: 2025-01-28. Review status: criteria provided, single submitter. Criteria: ACMG Guidelines, 2015. Collection method: clinical testing. Allele origin: germline.
Comment: This missense variant replaces glycine with cysteine at codon 96 of the RAD51D protein. Computational prediction suggests that this variant may have deleterious impact on protein structure and function. A functional study has shown the mutant protein to exhibit partial loss of homology-directed repair activity compared to the wild type protein (PMID: 30836272). This variant has been reported in an individual affected with breast cancer (PMID: 23372765, 26534844) and, to our knowledge, has not been reported in individuals affected with ovarian cancer in the literature. This variant has been identified in 2/251408 chromosomes in the general population by the Genome Aggregation Database (gnomAD). The available evidence is insufficient to determine the role of this variant in disease conclusively. Therefore, this variant is classified as a Variant of Uncertain Significance.

Baylor Genetics
Classification: Uncertain significance for Breast-ovarian cancer, familial, susceptibility to, 4. Last evaluated: 2023-12-10. Review status: criteria provided, single submitter. Criteria: ACMG Guidelines, 2015. Collection method: clinical testing. Allele origin: unknown.

Myriad Genetics, Inc.
Classification: Uncertain significance for Breast-ovarian cancer, familial, susceptibility to, 4. Last evaluated: 2023-04-06. Review status: criteria provided, single submitter. Criteria: Myriad Autosomal Dominant, Autosomal Recessive and X-Linked Classification Criteria (2023). Collection method: clinical testing. Allele origin: unknown.
Comment: This variant is classified as a variant of uncertain significance as there is insufficient evidence to determine its impact on protein function and/or cancer risk.

GeneDx
Classification: Uncertain significance. Last evaluated: 2021-06-03. Review status: criteria provided, single submitter. Criteria: GeneDx Variant Classification Process June 2021. Collection method: clinical testing. Allele origin: germline. Affected: yes.
Comment: Not observed at significant frequency in large population cohorts (Lek 2016); In silico analysis supports that this missense variant has a deleterious effect on protein structure/function; Observed in individuals with a personal and/or family history of breast and/or ovarian cancer (Thompson 2013, Li 2016); Published functional studies demonstrate a damaging effect: impaired interaction with XRCC2 and RAD51C and reduced homologous recombination activity (Baldock 2019); This variant is associated with the following publications: (PMID: 30836272, 21111057, 14704354, 27535533, 26534844, 23372765)

Counsyl
Classification: Uncertain significance for Breast-ovarian cancer, familial, susceptibility to, 4. Last evaluated: 2018-01-29. Review status: no assertion criteria provided. Collection method: clinical testing. Allele origin: unknown. Not counted in ClinVar's aggregate classification.

Literature cited by the submitters: PubMed 23372765 (cited by 3 submitters); PubMed 26534844 (cited by 4 submitters); PubMed 30836272 (cited by 3 submitters).

NM_002878.4(RAD51D):c.286G>T (p.Gly96Cys)

Genes: RAD51D (RAD51 paralog D; minus strand), RAD51L3-RFFL (RAD51L3-RFFL readthrough; minus strand). Cytogenetic location: 17q12.
Variant type: single nucleotide variant.
Coding change: c.286G>T on transcript NM_002878.4 (MANE Select); coding-DNA position 286, G replaced by T.
Protein change: p.Gly96Cys; replaces glycine 96 with cysteine.
Molecular consequence: missense variant. On other transcripts: non-coding transcript variant (2), intron variant (1).
Genome position (GRCh38, 1-based): chr17:35,107,425, C>A on the plus strand (G>T on the coding strand, the complement: RAD51D is on the minus strand). VCF-style: chr17-35107425-C-A. GRCh37 (hg19) VCF-style: chr17-33434444-C-A.
Other names: c.346G>T, p.Gly116Cys (NM_001142571.2); c.145-944G>T (NM_133629.3); short protein forms G96C, G116C.
Identifiers: ClinVar variation 231684 (VCV000231684.25), dbSNP rs762951311, ClinGen allele CA8499523.
Genomic context (GRCh38, chr17:35,107,425, plus strand): 5'-CCTGAGTTTTGCCGCTACCTGGGCCTCCTACAATTTCAGTCACTTCTCCAGTATAGAGAC[C>A]AGCATCAAGCAGTTTATCAAGACTGATGGCAGAAGAGAAGAAAATCAACACAAGAGGTTA-3'
Protein context (NP_002869.3, residues 86-106): IGSLDKLLDA[Gly96Cys]LYTGEVTEIV